The following is an entry in ClinVar:

ClinVar aggregate classification (germline): Uncertain significance (1 of 4 stars; one submission).

gnomAD v4.1: 1 of 1,613,652 alleles (0.000062%); highest among the groups gnomAD compares: Admixed American, 0.0017%; no homozygotes.

Submission:

GeneDx
Classification: Uncertain significance. Last evaluated: 2024-03-01. Review status: criteria provided, single submitter. Criteria: GeneDx Variant Classification Process June 2021. Collection method: clinical testing. Allele origin: germline.
Comment: In silico analysis supports that this missense variant has a deleterious effect on protein structure/function; Has not been previously published as pathogenic or benign to our knowledge

NM_032590.5(KDM2B):c.3260G>T (p.Arg1087Leu)

Gene: KDM2B (lysine demethylase 2B; minus strand). Cytogenetic location: 12q24.31.
Variant type: single nucleotide variant.
Coding change: c.3260G>T on transcript NM_032590.5 (MANE Select); coding-DNA position 3260, G replaced by T.
Protein change: p.Arg1087Leu; replaces arginine 1087 with leucine.
Molecular consequence: missense variant.
Genome position (GRCh38, 1-based): chr12:121,442,181, C>A on the plus strand (G>T on the coding strand, the complement: KDM2B is on the minus strand). VCF-style: chr12-121442181-C-A. GRCh37 (hg19) VCF-style: chr12-121879984-C-A.
Other names: c.3053G>T, p.Arg1018Leu (NM_001005366.2); short protein forms R1018L, R1087L.
Identifiers: ClinVar variation 2576647 (VCV002576647.2), dbSNP rs782298682, ClinGen allele CA386972925.
Genomic context (GRCh38, chr12:121,442,181, plus strand): 5'-GCCTTAACCTAGAGCCCTACACAGGCCGCCGCTCACCAGCGGTTCCAGGTCCTGCAGACC[C>A]GCATGCACACACACAGGTCTTGGTGGCTGAGGTAGCTGAAGACGGCCATCCACACCTCCC-3'
Protein context (NP_115979.3, residues 1077-1097): LSHQDLCVCM[Arg1087Leu]VCRTWNRWCC